The following is an entry in ClinVar:

NM_001243133.2(NLRP3):c.1465A>C (p.Asn489His)

Gene: NLRP3 (NLR family pyrin domain containing 3; plus strand). Cytogenetic location: 1q44.
Variant type: single nucleotide variant.
Coding change: c.1465A>C on transcript NM_001243133.2 (MANE Select); coding-DNA position 1465, A replaced by C.
Protein change: p.Asn489His; replaces asparagine 489 with histidine.
Molecular consequence: missense variant.
Genome position (GRCh38, 1-based): chr1:247,424,914, A>C. VCF-style: chr1-247424914-A-C. GRCh37 (hg19) VCF-style: chr1-247588216-A-C.
Other names: c.1465A>C, p.Asn489His (NM_001079821.3, NM_001127461.3, NM_001127462.3 and 1 more transcripts); c.1471A>C, p.Asn491His (NM_004895.5); short protein forms N489H, N491H.
Identifiers: ClinVar variation 2831728 (VCV002831728.4), dbSNP rs2527271004, ClinGen allele CA345556945.

ClinVar aggregate classification (germline): Uncertain significance. Review status: criteria provided, multiple submitters, no conflicts (2 of 4 stars). 2 submissions from 2 submitters: Uncertain significance (2). Last evaluated 2024-05-05.

Conditions:
Cryopyrin associated periodic syndrome (CAPS). Identifiers: Orphanet 208650, MedGen C2316212, MONDO:0016168.

Submissions (2):

GeneDx
Classification: Uncertain significance. Last evaluated: 2024-05-05. Review status: criteria provided, single submitter. Criteria: GeneDx Variant Classification Process June 2021. Collection method: clinical testing. Allele origin: germline. Affected: yes.
Comment: Not observed at significant frequency in large population cohorts (gnomAD); In silico analysis indicates that this missense variant does not alter protein structure/function; Has not been previously published as pathogenic or benign to our knowledge; Also known as p.(N489H); This variant is associated with the following publications: (PMID: 19302049)

Labcorp Genetics (formerly Invitae), Labcorp
Classification: Uncertain significance for Cryopyrin associated periodic syndrome. Last evaluated: 2023-01-24. Review status: criteria provided, single submitter. Criteria: Invitae Variant Classification Sherloc (09022015). Collection method: clinical testing. Allele origin: germline.
Comment: In summary, the available evidence is currently insufficient to determine the role of this variant in disease. Therefore, it has been classified as a Variant of Uncertain Significance. Algorithms developed to predict the effect of missense changes on protein structure and function (SIFT, PolyPhen-2, Align-GVGD) all suggest that this variant is likely to be tolerated. This variant has not been reported in the literature in individuals affected with NLRP3-related conditions. This variant is not present in population databases (gnomAD no frequency). This sequence change replaces asparagine, which is neutral and polar, with histidine, which is basic and polar, at codon 491 of the NLRP3 protein (p.Asn491His).